The following is an entry in ClinVar:

NM_017763.6(RNF43):c.450+9G>A

Gene: RNF43 (ring finger protein 43; minus strand). Cytogenetic location: 17q22.
Variant type: single nucleotide variant.
Coding change: c.450+9G>A on transcript NM_017763.6 (MANE Select); 9 bases into the intron after coding-DNA position 450, G replaced by A.
Molecular consequence: intron variant.
Genome position (GRCh38, 1-based): chr17:58,363,517, C>T on the plus strand (G>A on the coding strand, the complement: RNF43 is on the minus strand). VCF-style: chr17-58363517-C-T. GRCh37 (hg19) VCF-style: chr17-56440878-C-T.
Other names: c.450+9G>A (NM_001438822.1, NM_001305544.3, NM_001438820.1 and 1 more transcripts); c.69+9G>A (NM_001305545.2, NM_001437987.1).
Identifiers: ClinVar variation 4875749 (VCV004875749.1).

ClinVar aggregate classification (germline): Likely benign (1 of 4 stars; one submission).

Conditions:
Sessile serrated polyposis cancer syndrome (SSPCS). Identifiers: Orphanet 157798, MedGen C4310714, MONDO:0014919, OMIM 617108.

gnomAD v4.1: 1 of 1,611,416 alleles (0.000062%); highest among the groups gnomAD compares: African/African-American, 0.0013%; no homozygotes.

Submission:

Myriad Genetics, Inc.
Classification: Likely benign for Sessile serrated polyposis cancer syndrome. Last evaluated: 2026-06-26. Review status: criteria provided, single submitter. Criteria: Myriad Autosomal Dominant, Autosomal Recessive and X-Linked Classification Criteria (2023). Collection method: clinical testing. Allele origin: unknown.
Comment: This variant is considered likely benign. This variant is intronic and is not expected to impact mRNA splicing.